The following is an entry in ClinVar:

ClinVar aggregate classification (germline): Uncertain significance. Review status: criteria provided, multiple submitters, no conflicts (2 of 4 stars). 3 submissions from 3 submitters: Uncertain significance (3). Last evaluated 2025-07-30.

Conditions:
Early-infantile DEE. Also called: Ohtahara syndrome; Early infantile epileptic encephalopathy; Early infantile epileptic encephalopathy with suppression bursts. Identifiers: Orphanet 1934, MedGen C0393706, MONDO:0800491.

Allele frequency attached by ClinVar (database versions not stated): gnomAD 0.00001; gnomAD exomes 0.00002.
gnomAD v4.1: 26 of 1,589,944 alleles (0.0016%); highest among the groups gnomAD compares: Non-Finnish European, 0.0021%; no homozygotes.

Submissions (3):

GeneDx
Classification: Uncertain significance. Last evaluated: 2025-07-30. Review status: criteria provided, single submitter. Criteria: GeneDx Variant Classification Process June 2021. Collection method: clinical testing. Allele origin: germline. Affected: yes.
Comment: In silico analysis supports that this missense variant has a deleterious effect on protein structure/function; This substitution is predicted to be within the cytoplasmic loop between the first and second homologous domains; This variant is associated with the following publications: (PMID: 32845893, 31335965)

Labcorp Genetics (formerly Invitae), Labcorp
Classification: Uncertain significance for Early-infantile DEE. Last evaluated: 2024-06-22. Review status: criteria provided, single submitter. Criteria: Invitae Variant Classification Sherloc (09022015). Collection method: clinical testing. Allele origin: germline.
Comment: This sequence change replaces arginine, which is basic and polar, with tryptophan, which is neutral and slightly polar, at codon 598 of the SCN8A protein (p.Arg598Trp). This variant is not present in population databases (gnomAD no frequency). This variant has not been reported in the literature in individuals affected with SCN8A-related conditions. ClinVar contains an entry for this variant (Variation ID: 423314). Advanced modeling of protein sequence and biophysical properties (such as structural, functional, and spatial information, amino acid conservation, physicochemical variation, residue mobility, and thermodynamic stability) has been performed at Invitae for this missense variant, however the output from this modeling did not meet the statistical confidence thresholds required to predict the impact of this variant on SCN8A protein function. In summary, the available evidence is currently insufficient to determine the role of this variant in disease. Therefore, it has been classified as a Variant of Uncertain Significance.

Blueprint Genetics
Classification: Uncertain significance. Last evaluated: 2024-03-14. Review status: criteria provided, single submitter. Criteria: ACMG Guidelines, 2015. Collection method: clinical testing. Allele origin: germline.

NM_001330260.2(SCN8A):c.1792C>T (p.Arg598Trp)

Gene: SCN8A (sodium voltage-gated channel alpha subunit 8; plus strand). Cytogenetic location: 12q13.13.
Variant type: single nucleotide variant.
Coding change: c.1792C>T on transcript NM_001330260.2 (MANE Select); coding-DNA position 1792, C replaced by T.
Protein change: p.Arg598Trp; replaces arginine 598 with tryptophan.
Molecular consequence: missense variant.
Genome position (GRCh38, 1-based): chr12:51,721,702, C>T. VCF-style: chr12-51721702-C-T. GRCh37 (hg19) VCF-style: chr12-52115486-C-T.
Other names: c.1792C>T, p.Arg598Trp (NM_001177984.3, NM_001369788.1, NM_014191.4); short protein forms R598W.
Identifiers: ClinVar variation 423314 (VCV000423314.8), dbSNP rs1064796357, ClinGen allele CA16619559.